The following is an entry in ClinVar:

NM_001384140.1(PCDH15):c.1360G>A (p.Val454Ile)

Gene: PCDH15 (protocadherin related 15; minus strand). Cytogenetic location: 10q21.1.
Variant type: single nucleotide variant.
Coding change: c.1360G>A on transcript NM_001384140.1 (MANE Select); coding-DNA position 1360, G replaced by A.
Protein change: p.Val454Ile; replaces valine 454 with isoleucine.
Molecular consequence: missense variant.
Genome position (GRCh38, 1-based): chr10:54,185,214, C>T on the plus strand (G>A on the coding strand, the complement: PCDH15 is on the minus strand). VCF-style: chr10-54185214-C-T. GRCh37 (hg19) VCF-style: chr10-55944974-C-T.
Other names: c.1375G>A, p.Val459Ile (NM_001142763.2, NM_001142771.2); c.1360G>A, p.Val454Ile (NM_001142764.2, NM_001142765.2, NM_001142766.2 and 6 more transcripts); c.1249G>A, p.Val417Ile (NM_001142767.2); c.1294G>A, p.Val432Ile (NM_001142768.2, NM_001142773.2, NM_001354404.2); c.1396G>A, p.Val466Ile (NM_001142769.4); c.1381G>A, p.Val461Ile (NM_001354411.2); short protein forms V454I, V432I, V461I, V417I, V466I, V459I.
Identifiers: ClinVar variation 46442 (VCV000046442.25), dbSNP rs61735473, ClinGen allele CA138374.

ClinVar aggregate classification (germline): Benign. Review status: criteria provided, multiple submitters, no conflicts (2 of 4 stars). 8 submissions from 8 submitters: Benign (7). 1 of the submissions does not count toward it. Last evaluated 2026-02-04.

Conditions:
Usher syndrome type 1 (USH1). Also called: RETINITIS PIGMENTOSA AND CONGENITAL DEAFNESS. Identifiers: Orphanet 231169, Orphanet 886, MedGen C1568247, MONDO:0010168, OMIM 276900.
Usher syndrome type 1F (USH1F). Also called: USHER SYNDROME, TYPE IF. Identifiers: Orphanet 231169, Orphanet 886, MedGen C1865885, MONDO:0011186, OMIM 602083.

Allele frequency attached by ClinVar (database versions not stated): ESP Exome Variant Server 0.01223; TOPMed 0.01101; 1000 Genomes Project 0.01258; 1000 Genomes Project 30x 0.01280; gnomAD 0.00870.
gnomAD v4.1: 3,034 of 1,613,434 alleles (0.19%); highest among the groups gnomAD compares: African/African-American, 3.3%; 42 homozygotes.

Submissions (8):

Labcorp Genetics (formerly Invitae), Labcorp
Classification: Benign. Last evaluated: 2026-02-04. Review status: criteria provided, single submitter. Criteria: Invitae Variant Classification Sherloc (09022015). Collection method: clinical testing. Allele origin: germline.

Illumina Laboratory Services, Illumina
Classification: Benign for Usher syndrome type 1. Last evaluated: 2018-01-13. Review status: criteria provided, single submitter. Criteria: ICSL Variant Classification Criteria 13 December 2019. Collection method: clinical testing. Allele origin: germline.
Comment: This variant was observed in the ICSL laboratory as part of a predisposition screen in an ostensibly healthy population. It had not been previously curated by ICSL or reported in the Human Gene Mutation Database (HGMD: prior to June 1st, 2018), and was therefore a candidate for classification through an automated scoring system. Utilizing variant allele frequency, disease prevalence and penetrance estimates, and inheritance mode, an automated score was calculated to assess if this variant is too frequent to cause the disease. Based on the score and internal cut-off values, a variant classified as benign is not then subjected to further curation. The score for this variant resulted in a classification of benign for this disease.

Women's Health and Genetics/Laboratory Corporation of America, LabCorp
Classification: Benign. Last evaluated: 2016-10-31. Review status: criteria provided, single submitter. Criteria: LabCorp Variant Classification Summary - May 2015. Collection method: clinical testing. Allele origin: germline.
Comment: Variant summary: The PCDH15 c.1360G>A (p.Val454Ile) variant involves the alteration of a non-conserved nucleotide. 3/4 in silico tools predict a benign outcome for this variant. This variant was found in 397/121340 control chromosomes (including 6 homozygotes), predominantly observed in the African subpopulation at a frequency of 0.0347943 (362/10404). This frequency is about 11 times the estimated maximal expected allele frequency of a pathogenic PCDH15 variant (0.0031623), suggesting this is likely a benign polymorphism found primarily in the populations of African origin. In addition, multiple clinical diagnostic laboratories have classified this variant as benign. Taken together, this variant is classified as Benign.

GeneDx
Classification: Benign. Last evaluated: 2016-02-15. Review status: criteria provided, single submitter. Criteria: GeneDx Variant Classification (06012015). Collection method: clinical testing. Allele origin: germline. Affected: yes.
Comment: This variant is considered likely benign or benign based on one or more of the following criteria: it is a conservative change, it occurs at a poorly conserved position in the protein, it is predicted to be benign by multiple in silico algorithms, and/or has population frequency not consistent with disease.

Eurofins Ntd Llc (ga)
Classification: Benign. Last evaluated: 2013-09-23. Review status: criteria provided, single submitter. Criteria: EGL Classification Definitions 2015. Collection method: clinical testing. Allele origin: germline. Observed: 1 variant allele, 1 heterozygote.

Laboratory for Molecular Medicine, Mass General Brigham Personalized Medicine
Classification: Benign. Last evaluated: 2010-10-06. Review status: criteria provided, single submitter. Criteria: LMM Criteria. Collection method: clinical testing. Allele origin: germline. Observed: 14 variant alleles.
Comment: This variant is not expected to have clinical significance because this residue is not highly conserved across species and this is not a significant biochemical change. In addition, this variant has been entered 6 times in dbSNP with a 3.6% (6/168) allele frequency in the West African population (rs61735473). Furthermo re, this variant has been identified by our laboratory in 2/15 (13.3%) Black pro bands.

Breakthrough Genomics
Classification: Benign. Review status: criteria provided, single submitter. Criteria: ACMG Guidelines, 2015. Collection method: not provided. Allele origin: germline. Inheritance: Autosomal recessive inheritance. Affected: yes.

Natera, Inc.
Classification: Benign for Usher syndrome type 1F. Last evaluated: 2020-04-23. Review status: no assertion criteria provided. Collection method: clinical testing. Allele origin: germline. Not counted in ClinVar's aggregate classification.